The following is an entry in ClinVar:

ClinVar aggregate classification (germline): Likely benign (1 of 4 stars; one submission).

Allele frequency attached by ClinVar (database versions not stated): gnomAD exomes 0.00020; TOPMed 0.00025; gnomAD 0.00026.
gnomAD v4.1: 143 of 708,776 alleles (0.02%); highest among the groups gnomAD compares: Non-Finnish European, 0.032%; no homozygotes.

Submission:

CeGaT Center for Human Genetics Tuebingen
Classification: Likely benign. Last evaluated: 2022-12-01. Review status: criteria provided, single submitter. Criteria: CeGaT Center For Human Genetics Tuebingen Variant Classification Criteria Version 2. Collection method: clinical testing. Allele origin: germline. Affected: yes. Observed: 1 variant allele.
Comment: ARHGEF4: BP4

NM_001367493.1(ARHGEF4):c.3986-16085C>T

Gene: ARHGEF4 (Rho guanine nucleotide exchange factor 4; plus strand). Cytogenetic location: 2q21.1.
Variant type: single nucleotide variant.
Coding change: c.3986-16085C>T on transcript NM_001367493.1 (MANE Select); 16085 bases into the intron before coding-DNA position 3986, C replaced by T.
Molecular consequence: intron variant.
Genome position (GRCh38, 1-based): chr2:131,011,860, C>T. VCF-style: chr2-131011860-C-T. GRCh37 (hg19) VCF-style: chr2-131769433-C-T.
Other names: c.428-16085C>T (NM_015320.4); c.317-16085C>T (NM_001375901.1); c.473-16085C>T (NM_001375900.1); c.415-26993C>T (NM_001375902.1); c.59-16085C>T (NM_001375904.1); c.358-26993C>T (NM_001375903.1).
Identifiers: ClinVar variation 2651371 (VCV002651371.24), dbSNP rs746025286, ClinGen allele CA1874984.